The following is an entry in ClinVar:

ClinVar aggregate classification (germline): Uncertain significance (1 of 4 stars; one submission).

Conditions:
Familial adenomatous polyposis 1 (FAP1). Also called: POLYPOSIS, ADENOMATOUS INTESTINAL; FAMILIAL ADENOMATOUS POLYPOSIS 1, ATTENUATED. Identifiers: MedGen C2713442, MONDO:0021056, OMIM 175100. Disease mechanism: loss of function.

Submission:

Labcorp Genetics (formerly Invitae), Labcorp
Classification: Uncertain significance for Familial adenomatous polyposis 1. Last evaluated: 2023-09-08. Review status: criteria provided, single submitter. Criteria: Invitae Variant Classification Sherloc (09022015). Collection method: clinical testing. Allele origin: germline.
Comment: In summary, the available evidence is currently insufficient to determine the role of this variant in disease. Therefore, it has been classified as a Variant of Uncertain Significance. Advanced modeling of protein sequence and biophysical properties (such as structural, functional, and spatial information, amino acid conservation, physicochemical variation, residue mobility, and thermodynamic stability) performed at Invitae indicates that this missense variant is not expected to disrupt APC protein function. This variant has not been reported in the literature in individuals affected with APC-related conditions. This variant is not present in population databases (gnomAD no frequency). This sequence change replaces asparagine, which is neutral and polar, with serine, which is neutral and polar, at codon 2220 of the APC protein (p.Asn2220Ser).

NM_000038.6(APC):c.6659A>G (p.Asn2220Ser)

Gene: APC (APC regulator of Wnt signaling pathway; plus strand). Cytogenetic location: 5q22.2.
Variant type: single nucleotide variant.
Coding change: c.6659A>G on transcript NM_000038.6 (MANE Select); coding-DNA position 6659, A replaced by G.
Protein change: p.Asn2220Ser; replaces asparagine 2220 with serine.
Molecular consequence: missense variant. On other transcripts: non-coding transcript variant (2).
Genome position (GRCh38, 1-based): chr5:112,842,253, A>G. VCF-style: chr5-112842253-A-G. GRCh37 (hg19) VCF-style: chr5-112177950-A-G.
Other names: c.6659A>G, p.Asn2220Ser (NM_001127510.3, NM_001354895.2, NM_001407450.1); c.6605A>G, p.Asn2202Ser (NM_001127511.3); c.6713A>G, p.Asn2238Ser (NM_001354896.2, NM_001407447.1, NM_001407448.1 and 1 more transcripts); c.6689A>G, p.Asn2230Ser (NM_001354897.2); c.6584A>G, p.Asn2195Ser (NM_001354898.2); c.6575A>G, p.Asn2192Ser (NM_001354899.2); c.6536A>G, p.Asn2179Ser (NM_001354900.2); c.6482A>G, p.Asn2161Ser (NM_001354901.2, NM_001407453.1); and 11 more; short protein forms N2094S, N2161S, N2220S, N1836S, N2060S, N2119S, N2129S, N2202S.
Identifiers: ClinVar variation 2758811 (VCV002758811.3), dbSNP rs2149970004, ClinGen allele CA16035897.